The following is an entry in ClinVar:

NM_001556.3(IKBKB):c.2269T>C (p.Ter757Arg)

Gene: IKBKB (inhibitor of nuclear factor kappa B kinase subunit beta; plus strand). Cytogenetic location: 8p11.21.
Variant type: single nucleotide variant.
Coding change: c.2269T>C on transcript NM_001556.3 (MANE Select); coding-DNA position 2269, T replaced by C.
Protein change: p.Ter757Arg.
Molecular consequence: stop lost. On other transcripts: non-coding transcript variant (3).
Genome position (GRCh38, 1-based): chr8:42,330,977, T>C. VCF-style: chr8-42330977-T-C. GRCh37 (hg19) VCF-style: chr8-42188495-T-C.
Other names: c.2077T>C, p.Ter693Arg (NM_001190720.3); c.2092T>C, p.Ter698Arg (NM_001242778.2).
Identifiers: ClinVar variation 2501124 (VCV002501124.1), dbSNP rs1235903025, ClinGen allele CA371095299.

ClinVar aggregate classification (germline): Uncertain significance (1 of 4 stars; one submission).

Submission:

Women's Health and Genetics/Laboratory Corporation of America, LabCorp
Classification: Uncertain significance. Last evaluated: 2023-03-07. Review status: criteria provided, single submitter. Criteria: LabCorp Variant Classification Summary - May 2015. Collection method: clinical testing. Allele origin: germline.
Comment: Variant summary: IKBKB c.2269T>C (p.X757ArgextX25) changes the termination codon and is predicted to lead to an extended protein with additional amino acids added to the normal C-terminus. The variant was absent in 251384 control chromosomes. The available data on variant occurrences in the general population are insufficient to allow any conclusion about variant significance. c.2269T>C has not been reported in the literature in individuals affected with Severe Combined Immunodeficiency. To our knowledge, no experimental evidence demonstrating an impact on protein function has been reported. No clinical diagnostic laboratories have submitted clinical-significance assessments for this variant to ClinVar after 2014. Based on the evidence outlined above, the variant was classified as uncertain significance.

Literature cited by the submitters: PubMed 32531432.